The following is an entry in ClinVar:

NM_000807.4(GABRA2):c.883A>T (p.Thr295Ser)

Gene: GABRA2 (gamma-aminobutyric acid type A receptor subunit alpha2; minus strand). Cytogenetic location: 4p12.
Variant type: single nucleotide variant.
Coding change: c.883A>T on transcript NM_000807.4 (MANE Select); coding-DNA position 883, A replaced by T.
Protein change: p.Thr295Ser; replaces threonine 295 with serine.
Molecular consequence: missense variant.
Genome position (GRCh38, 1-based): chr4:46,262,102, T>A on the plus strand (A>T on the coding strand, the complement: GABRA2 is on the minus strand). VCF-style: chr4-46262102-T-A. GRCh37 (hg19) VCF-style: chr4-46264119-T-A.
Other names: c.883A>T, p.Thr295Ser (NM_001114175.3, NM_001330690.2, NM_001377144.1 and 8 more transcripts); c.718A>T, p.Thr240Ser (NM_001286827.3, NM_001377152.1, NM_001377153.1 and 1 more transcripts); short protein forms T240S, T295S.
Identifiers: ClinVar variation 2635567 (VCV002635567.1), dbSNP rs2475296302, ClinGen allele CA356804502.

ClinVar aggregate classification (germline): Likely pathogenic (1 of 4 stars; one submission).

Conditions:
GABRA2-related disorder. Also called: GABRA2-related condition.

Submission:

PreventionGenetics, part of Exact Sciences
Classification: Likely pathogenic for GABRA2-related condition. Last evaluated: 2022-11-08. Review status: criteria provided, single submitter. Criteria: ACMG Guidelines, 2015. Collection method: clinical testing. Allele origin: germline.
Comment: The GABRA2 c.883A>T variant is predicted to result in the amino acid substitution p.Thr295Ser. To our knowledge, this variant has not been reported in the literature or in a large population database, indicating this variant is rare. This variant is interpreted as likely pathogenic.